The following is an entry in ClinVar:

ClinVar aggregate classification (germline): Uncertain significance. Review status: criteria provided, multiple submitters, no conflicts (2 of 4 stars). 2 submissions from 2 submitters: Uncertain significance (2). Last evaluated 2025-06-12.

Conditions:
Autosomal dominant polycystic kidney disease. Identifiers: Orphanet 730, MedGen C0085413, MONDO:0004691.
Polycystic kidney disease 2 (PKD2). Also called: POLYCYSTIC KIDNEY DISEASE 2 WITH OR WITHOUT POLYCYSTIC LIVER DISEASE; Polycystic Kidney Disease 2, Autosomal Dominant; POLYCYSTIC KIDNEY DISEASE, ADULT, TYPE II. Identifiers: MedGen C2751306, MONDO:0013131, OMIM 613095.

Allele frequency attached by ClinVar (database versions not stated): gnomAD exomes below 0.00001 and 0.00001; ExAC 0.00001; TOPMed 0.00003; gnomAD 0.00005; ESP Exome Variant Server 0.00008.
gnomAD v4.1: 11 of 1,614,008 alleles (0.00068%); highest among the groups gnomAD compares: African/African-American, 0.015%; no homozygotes.

Submissions (2):

Labcorp Genetics (formerly Invitae), Labcorp
Classification: Uncertain significance for Autosomal dominant polycystic kidney disease. Last evaluated: 2025-06-12. Review status: criteria provided, single submitter. Criteria: Invitae Variant Classification Sherloc (09022015). Collection method: clinical testing. Allele origin: germline.
Comment: This sequence change replaces serine, which is neutral and polar, with proline, which is neutral and non-polar, at codon 831 of the PKD2 protein (p.Ser831Pro). This variant is present in population databases (rs149728995, gnomAD 0.02%). This variant has not been reported in the literature in individuals affected with PKD2-related conditions. ClinVar contains an entry for this variant (Variation ID: 1357246). Invitae Evidence Modeling of protein sequence and biophysical properties (such as structural, functional, and spatial information, amino acid conservation, physicochemical variation, residue mobility, and thermodynamic stability) indicates that this missense variant is not expected to disrupt PKD2 protein function with a negative predictive value of 80%. In summary, the available evidence is currently insufficient to determine the role of this variant in disease. Therefore, it has been classified as a Variant of Uncertain Significance.

Fulgent Genetics
Classification: Uncertain significance for Polycystic kidney disease 2. Last evaluated: 2024-04-26. Review status: criteria provided, single submitter. Criteria: ACMG Guidelines, 2015. Collection method: clinical testing. Allele origin: germline.

NM_000297.4(PKD2):c.2491T>C (p.Ser831Pro)

Gene: PKD2 (polycystin 2, transient receptor potential cation channel; plus strand). Cytogenetic location: 4q22.1.
Variant type: single nucleotide variant.
Coding change: c.2491T>C on transcript NM_000297.4 (MANE Select); coding-DNA position 2491, T replaced by C.
Protein change: p.Ser831Pro; replaces serine 831 with proline.
Molecular consequence: missense variant. On other transcripts: non-coding transcript variant (1).
Genome position (GRCh38, 1-based): chr4:88,068,030, T>C. VCF-style: chr4-88068030-T-C. GRCh37 (hg19) VCF-style: chr4-88989182-T-C.
Other names: short protein forms S831P.
Identifiers: ClinVar variation 1357246 (VCV001357246.8), dbSNP rs149728995, ClinGen allele CA3004256.